The following is an entry in ClinVar:

ClinVar aggregate classification (germline): Pathogenic/Likely pathogenic. Review status: criteria provided, multiple submitters, no conflicts (2 of 4 stars). 7 submissions from 7 submitters: Pathogenic (4); Likely pathogenic (3). Last evaluated 2025-10-22.

Conditions:
TBCK-related disorder. Also called: TBCK-related condition; TBCK-related disorders.
Hypotonia, infantile, with psychomotor retardation and characteristic facies 3 (IHPRF3). Also called: TBCK-Related Neurodevelopmental Disorder. Identifiers: Orphanet 488632, MedGen C5567480, MONDO:0014823, OMIM 616900.

Submissions (7):

Labcorp Genetics (formerly Invitae), Labcorp
Classification: Pathogenic. Last evaluated: 2025-10-22. Review status: criteria provided, single submitter. Criteria: Invitae Variant Classification Sherloc (09022015). Collection method: clinical testing. Allele origin: germline.
Comment: This sequence change creates a premature translational stop signal (p.Asn457Lysfs*10) in the TBCK gene. It is expected to result in an absent or disrupted protein product. Loss-of-function variants in TBCK are known to be pathogenic (PMID: 27040692, 30103036). The frequency data for this variant in the population databases is considered unreliable, as metrics indicate poor data quality at this position in the gnomAD database. This variant has not been reported in the literature in individuals affected with TBCK-related conditions. ClinVar contains an entry for this variant (Variation ID: 986992). For these reasons, this variant has been classified as Pathogenic.

Variantyx, Inc.
Classification: Likely pathogenic for Hypotonia, infantile, with psychomotor retardation and characteristic facies 3. Last evaluated: 2025-08-16. Review status: criteria provided, single submitter. Criteria: Variantyx Assertion Criteria 2022. Collection method: clinical testing. Allele origin: germline. Inheritance: Autosomal recessive inheritance. Affected: no.
Comment: This is a frameshift variant in the TBCK gene (OMIM: 616899). Pathogenic variants in this gene have been associated with autosomal recessive infantile hypotonia with psychomotor retardation and characteristic facies 3. This variant introduces a premature termination codon in exon 15 out of 26 and is expected to result in loss of function, which is a known disease mechanism for TBCK in this disorder (PMID: 25558065, 27040692) (PVS1). This variant has a 0.0090% maximum allele frequency in non-founder control populations (PM2). Based on the current evidence, this variant is classified as likely pathogenic for autosomal recessive infantile hypotonia with psychomotor retardation and characteristic facies 3.

PreventionGenetics, part of Exact Sciences
Classification: Pathogenic for TBCK-related condition. Last evaluated: 2025-06-04. Review status: criteria provided, single submitter. Criteria: ACMG Guidelines, 2015. Collection method: clinical testing. Allele origin: germline.
Comment: The TBCK c.1370dupA variant is predicted to result in a frameshift and premature protein termination (p.Asn457Lysfs*10). To our knowledge, this variant has not been reported in the literature. An alternate nucleotide change affecting the same amino acid (c.1370del; p.Asn457Thrfs*15) has been reported in the homozygous state in 2 siblings affected with TBCK-related disorders (Bhoj et al. 2016. PubMed ID: 27040691). This variant is reported in 0.047% of alleles in individuals of East Asian descent in gnomAD. Frameshift variants in TBCK are expected to be pathogenic. This variant is interpreted as pathogenic.

Broad Center for Mendelian Genomics, Broad Institute of MIT and Harvard
Classification: Likely pathogenic for Hypotonia, infantile, with psychomotor retardation and characteristic facies 3. Last evaluated: 2025-01-13. Review status: criteria provided, single submitter. Criteria: ACMG Guidelines, 2015. Collection method: curation. Allele origin: germline. Inheritance: Autosomal recessive inheritance.
Comment: The p.Asn457LysfsTer10 variant in TBCK has not been previously reported in the literature in individuals with TBCK-related intellectual disability syndrome, and has been identified in 0.009% (4/44506) of East Asian chromosomes by the Genome Aggregation Database (gnomAD; dbSNP ID: rs746860249). Although this variant has been seen in the general population in a heterozygous state, its frequency is low enough to be consistent with a recessive carrier frequency. It is of note that this variant occurs in a homopolymer repeat, which could indicate that it is an artifact from sequencing. However, disease-causing variants have been reported in homopolymer regions, so this is not enough to rule out a pathogenic role. This variant has also been reported in ClinVar (Variation ID: 986992) and has been interpreted as pathogenic/likely pathogenic by Victorian Clinical Genetics Services (Murdoch Childrens Research Institute), GeneDx, and Institute of Medical Genetics and Applied Genomics (University Hospital T√ºbingen). This variant is predicted to cause a frameshift, which alters the protein‚Äôs amino acid sequence beginning at position 457 and leads to a premature termination codon 10 amino acids downstream. This alteration is then predicted to lead to a truncated or absent protein. Loss of function of the TBCK gene is an established disease mechanism in autosomal recessive TBCK-related intellectual disability syndrome. In summary, although additional studies are required to fully establish its clinical significance, this variant is likely pathogenic for autosomal recessive TBCK-related intellectual disability syndrome. ACMG/AMP Criteria applied: PVS1, PM2_supporting (Richards 2015).

GeneDx
Classification: Pathogenic. Last evaluated: 2022-04-26. Review status: criteria provided, single submitter. Criteria: GeneDx Variant Classification Process June 2021. Collection method: clinical testing. Allele origin: germline. Affected: yes.
Comment: Frameshift variant predicted to result in protein truncation or nonsense mediated decay in a gene for which loss-of-function is a known mechanism of disease; Has not been previously published as pathogenic or benign to our knowledge

Victorian Clinical Genetics Services, Murdoch Childrens Research Institute
Classification: Pathogenic for Hypotonia, infantile, with psychomotor retardation and characteristic facies 3. Last evaluated: 2022-02-02. Review status: criteria provided, single submitter. Criteria: ACMG Guidelines, 2015. Collection method: clinical testing. Allele origin: germline. Inheritance: Autosomal recessive inheritance.
Comment: Based on the classification scheme VCGS_Germline_v1.3.4, this variant is classified as Pathogenic. Following criteria are met: 0102 - Loss of function is a known mechanism of disease in this gene and is associated with hypotonia, infantile, with psychomotor delay and characteristic facies 3 (MIM#616900). (I) 0106 - This gene is associated with autosomal recessive disease. (I) 0201 - Variant is predicted to cause nonsense-mediated decay (NMD) and loss of protein (premature termination codon is located at least 54 nucleotides upstream of the final exon-exon junction). (SP) 0251 - This variant is heterozygous. (I) 0304 - Variant is present in gnomAD (v2) <0.01 for a recessive condition (17 heterozygotes, 0 homozygotes). (SP) 0701 - Other NMD-predicted variants comparable to the one identified in this case have very strong previous evidence for pathogenicity. These variants have been reported many times as pathogenic, and observed in individuals with intellectual disability and hypotonia syndrome (DECIPHER, PMID: 27040691). (SP) 0803 - This variant has limited previous evidence of pathogenicity in an unrelated individual. This variant has been reported as likely pathogenic, and observed in a single individual with global developmental delay (ClinVar, LOVD). (SP) 0905 - No published segregation evidence has been identified for this variant. (I) 1007 - No published functional evidence has been identified for this variant. (I) Legend: (SP) - Supporting pathogenic, (I) - Information, (SB) - Supporting benign

Institute of Medical Genetics and Applied Genomics, University Hospital Tübingen
Classification: Likely pathogenic. Last evaluated: 2020-10-23. Review status: criteria provided, single submitter. Criteria: ACMG Guidelines, 2015. Collection method: clinical testing. Allele origin: germline. Inheritance: Autosomal recessive inheritance. Affected: yes.

Literature cited by the submitters: PubMed 27040692 (cited by Labcorp Genetics (formerly Invitae), Labcorp and Variantyx, Inc.); PubMed 30103036 (cited by Labcorp Genetics (formerly Invitae), Labcorp); PubMed 25558065 (cited by Variantyx, Inc.); PubMed 27040691 (cited by Victorian Clinical Genetics Services, Murdoch Childrens Research Institute).

NM_001163435.3(TBCK):c.1370dup (p.Asn457fs)

Gene: TBCK (TBC1 domain containing kinase; minus strand). Cytogenetic location: 4q24.
Variant type: Duplication.
Coding change: c.1370dup on transcript NM_001163435.3 (MANE Select); coding-DNA position 1370, one base duplicated (A; older notation c.1370dupA).
Protein change: p.Asn457fs; shifts the reading frame from asparagine 457.
Molecular consequence: frameshift variant.
Genome position (GRCh38, 1-based): chr4:106,235,348, T duplicated on the plus strand (A on the coding strand, the reverse complement: TBCK is on the minus strand); the first of 8 consecutive T bases (chr4:106,235,348-106,235,355); duplicating any one gives the same sequence. VCF-style (leftmost placement, unchanged base first): chr4-106235347-G-GT. GRCh37 (hg19) VCF-style: chr4-107156504-G-GT.
Other names: NM_001163435.3(TBCK):c.1370dup; p.Asn457fs; c.1370dup, p.Asn457fs (NM_001163436.4); c.1253dup, p.Asn418fs (NM_001163437.3); c.854dup, p.Asn285fs (NM_001290768.2); c.1181dup, p.Asn394fs (NM_033115.5); c.1370dupA (NM_001163435.2); short protein forms N285fs, N394fs, N418fs, N457fs.
Identifiers: ClinVar variation 986992 (VCV000986992.10), dbSNP rs746860249, ClinGen allele CA3035085.